The following is an entry in ClinVar:

NM_001983.4(ERCC1):c.384C>T (p.Pro128=)

Gene: ERCC1 (ERCC excision repair 1, endonuclease non-catalytic subunit; minus strand). Cytogenetic location: 19q13.32.
Variant type: single nucleotide variant.
Coding change: c.384C>T on transcript NM_001983.4 (MANE Select); coding-DNA position 384, C replaced by T.
Protein change: p.Pro128=; no amino-acid change (proline 128 retained).
Molecular consequence: synonymous variant.
Genome position (GRCh38, 1-based): chr19:45,420,365, G>A on the plus strand (C>T on the coding strand, the complement: ERCC1 is on the minus strand). VCF-style: chr19-45420365-G-A. GRCh37 (hg19) VCF-style: chr19-45923623-G-A.
Other names: c.384C>T, p.Pro128= (NM_202001.3, NM_001166049.2, NM_001369408.1 and 11 more transcripts).
Identifiers: ClinVar variation 709100 (VCV000709100.33), dbSNP rs139827427, ClinGen allele CA9515463.

ClinVar aggregate classification (germline): Likely benign. Review status: criteria provided, multiple submitters, no conflicts (2 of 4 stars). 3 submissions from 3 submitters: Likely benign (3). Last evaluated 2026-06-01.

Allele frequency attached by ClinVar (database versions not stated): 1000 Genomes Project 30x 0.00016; 1000 Genomes Project 0.00020; TOPMed 0.00036; ESP Exome Variant Server 0.00038; gnomAD 0.00041 and 0.00044; gnomAD exomes 0.00041; ExAC 0.00046.
gnomAD v4.1: 659 of 1,613,746 alleles (0.041%); highest among the groups gnomAD compares: Non-Finnish European, 0.05%; 3 homozygotes.

Submissions (3):

CeGaT Center for Human Genetics Tuebingen
Classification: Likely benign. Last evaluated: 2026-06-01. Review status: criteria provided, single submitter. Criteria: CeGaT Center For Human Genetics Tuebingen Variant Classification Criteria Version 2. Collection method: clinical testing. Allele origin: germline. Affected: yes. Observed: 11 variant alleles.
Comment: ERCC1: BP4, BP7

Labcorp Genetics (formerly Invitae), Labcorp
Classification: Likely benign. Last evaluated: 2026-01-27. Review status: criteria provided, single submitter. Criteria: Invitae Variant Classification Sherloc (09022015). Collection method: clinical testing. Allele origin: germline.

Blueprint Genetics
Classification: Likely benign. Last evaluated: 2024-11-27. Review status: criteria provided, single submitter. Criteria: ACMG Guidelines, 2015. Collection method: clinical testing. Allele origin: germline.